The following is an entry in ClinVar:

NM_000018.4(ACADVL):c.578G>A (p.Gly193Asp)

Gene: ACADVL (acyl-CoA dehydrogenase very long chain; plus strand). Cytogenetic location: 17p13.1.
Variant type: single nucleotide variant.
Coding change: c.578G>A on transcript NM_000018.4 (MANE Select); coding-DNA position 578, G replaced by A.
Protein change: p.Gly193Asp; replaces glycine 193 with aspartic acid.
Molecular consequence: missense variant.
Genome position (GRCh38, 1-based): chr17:7,221,638, G>A. VCF-style: chr17-7221638-G-A. GRCh37 (hg19) VCF-style: chr17-7124957-G-A.
Other names: NM_000018.4(ACADVL):c.578G>A; p.Gly193Asp; c.512G>A, p.Gly171Asp (NM_001033859.3); c.647G>A, p.Gly216Asp (NM_001270447.2); c.350G>A, p.Gly117Asp (NM_001270448.2); short protein forms G193D, G117D, G171D, G216D.
Identifiers: ClinVar variation 432108 (VCV000432108.7), dbSNP rs1220348903, ClinGen allele CA397723203.

ClinVar aggregate classification (germline): Uncertain significance. Review status: reviewed by expert panel (3 of 4 stars). 4 submissions from 4 submitters: Uncertain significance (1). 3 of the submissions do not count toward it. Last evaluated 2024-03-26.

Conditions:
Very long chain acyl-CoA dehydrogenase deficiency (ACADVLD). Also called: Very Long-Chain Acyl-Coenzyme A Dehydrogenase Deficiency; VLCAD Deficiency. Identifiers: Orphanet 26793, MedGen C3887523, MONDO:0008723, OMIM 201475.

Allele frequency attached by ClinVar (database versions not stated): TOPMed below 0.00001.
gnomAD v4.1: 3 of 1,614,034 alleles (0.00019%); highest among the groups gnomAD compares: Non-Finnish European, 0.00025%; no homozygotes.

Submissions (4):

ClinGen ACADVL Variant Curation Expert Panel, ClinGen
Classification: Uncertain significance for Very long chain acyl-CoA dehydrogenase deficiency. Last evaluated: 2024-03-26. Review status: reviewed by expert panel. Criteria: clingen acadvl acmg specifications v1. Collection method: curation. Allele origin: germline. Inheritance: Autosomal recessive inheritance.
Comment: The NM_000018.4 c.578G>A (p.Gly193Asp) in ACADVL is a missense variant predicted to cause substitution of glycine by aspartic acid at amino acid 193 (p. Gly193Asp). The highest population minor allele frequency in gnomAD v4.0.0 is 0.000004 in Non-Finnish European population, which is lower than the ClinGen ACADVL Variant Curation Expert Panel threshold (<0.001) for PM2_Supporting, meeting this criterion (PM2_Supporting). The computational predictor REVEL gives a score of 0.961, which is above the threshold of 0.75, evidence that correlates with impact to ACADVL function (PP3). Due to limited evidence, this variant is classified as a variant of uncertain significance for autosomal recessive very long chain acyl-CoA dehydrogenase (VLCAD) deficiency based on the ACMG/AMP criteria applied, as specified by the ClinGen ACADVL Variant Curation Expert Panel: PM2_Supporting, PP3 (ACADVL VCEP specifications version 1; approved November 9, 2021).

GeneDx
Classification: Uncertain significance. Last evaluated: 2023-09-20. Review status: criteria provided, single submitter. Criteria: GeneDx Variant Classification Process June 2021. Collection method: clinical testing. Allele origin: germline. Affected: yes. Not counted in ClinVar's aggregate classification.
Comment: Not observed at significant frequency in large population cohorts (gnomAD); In silico analysis supports that this missense variant has a deleterious effect on protein structure/function; Has not been previously published as pathogenic or benign to our knowledge

Labcorp Genetics (formerly Invitae), Labcorp
Classification: Uncertain significance for Very long chain acyl-CoA dehydrogenase deficiency. Last evaluated: 2021-12-18. Review status: criteria provided, single submitter. Criteria: Invitae Variant Classification Sherloc (09022015). Collection method: clinical testing. Allele origin: germline. Not counted in ClinVar's aggregate classification.
Comment: This sequence change replaces glycine, which is neutral and non-polar, with aspartic acid, which is acidic and polar, at codon 193 of the ACADVL protein (p.Gly193Asp). This variant is not present in population databases (gnomAD no frequency). This variant has not been reported in the literature in individuals affected with ACADVL-related conditions. ClinVar contains an entry for this variant (Variation ID: 432108). Advanced modeling of protein sequence and biophysical properties (such as structural, functional, and spatial information, amino acid conservation, physicochemical variation, residue mobility, and thermodynamic stability) performed at Invitae indicates that this missense variant is expected to disrupt ACADVL protein function. In summary, the available evidence is currently insufficient to determine the role of this variant in disease. Therefore, it has been classified as a Variant of Uncertain Significance.

Counsyl
Classification: Uncertain significance for Very long chain acyl-CoA dehydrogenase deficiency. Last evaluated: 2018-03-21. Review status: no assertion criteria provided. Collection method: clinical testing. Allele origin: unknown. Not counted in ClinVar's aggregate classification.